The following is an entry in ClinVar:

ClinVar aggregate classification (germline): Uncertain significance (1 of 4 stars; one submission).

Conditions:
Dilated cardiomyopathy 1J (CMD1J). Also called: CARDIOMYOPATHY, DILATED, WITH SENSORINEURAL HEARING LOSS, AUTOSOMAL DOMINANT. Identifiers: Orphanet 217622, MedGen C1854368, MONDO:0011541, OMIM 605362.

Allele frequency attached by ClinVar (database versions not stated): ExAC 0.00001; gnomAD exomes 0.00001.
gnomAD v4.1: 3 of 1,608,672 alleles (0.00019%); highest among the groups gnomAD compares: Non-Finnish European, 0.00026%; no homozygotes.

Submission:

Labcorp Genetics (formerly Invitae), Labcorp
Classification: Uncertain significance for Dilated cardiomyopathy 1J. Last evaluated: 2024-08-01. Review status: criteria provided, single submitter. Criteria: Invitae Variant Classification Sherloc (09022015). Collection method: clinical testing. Allele origin: germline.
Comment: This sequence change replaces lysine, which is basic and polar, with arginine, which is basic and polar, at codon 13 of the EYA4 protein (p.Lys13Arg). This variant is present in population databases (rs775725988, gnomAD 0.0009%). This variant has not been reported in the literature in individuals affected with EYA4-related conditions. ClinVar contains an entry for this variant (Variation ID: 2037629). An algorithm developed to predict the effect of missense changes on protein structure and function (PolyPhen-2) suggests that this variant is likely to be tolerated. Algorithms developed to predict the effect of sequence changes on RNA splicing suggest that this variant may disrupt the consensus splice site. In summary, the available evidence is currently insufficient to determine the role of this variant in disease. Therefore, it has been classified as a Variant of Uncertain Significance.

NM_004100.5(EYA4):c.38A>G (p.Lys13Arg)

Gene: EYA4 (EYA transcriptional coactivator and phosphatase 4; plus strand). Cytogenetic location: 6q23.2.
Variant type: single nucleotide variant.
Coding change: c.38A>G on transcript NM_004100.5 (MANE Select); coding-DNA position 38, A replaced by G.
Protein change: p.Lys13Arg; replaces lysine 13 with arginine.
Molecular consequence: missense variant.
Genome position (GRCh38, 1-based): chr6:133,382,396, A>G. VCF-style: chr6-133382396-A-G. GRCh37 (hg19) VCF-style: chr6-133703534-A-G.
Other names: c.38A>G, p.Lys13Arg (NM_001301012.2, NM_001301013.2, NM_001370458.1 and 3 more transcripts); short protein forms K13R.
Identifiers: ClinVar variation 2037629 (VCV002037629.4), dbSNP rs775725988, ClinGen allele CA4007935.